The following is an entry in ClinVar:

NM_000531.6(OTC):c.77G>C (p.Arg26Pro)

Gene: OTC (ornithine transcarbamylase; plus strand). Cytogenetic location: Xp11.4.
Variant type: single nucleotide variant.
Coding change: c.77G>C on transcript NM_000531.6 (MANE Select); coding-DNA position 77, G replaced by C.
Protein change: p.Arg26Pro; replaces arginine 26 with proline.
Molecular consequence: missense variant.
Genome position (GRCh38, 1-based): chrX:38,352,773, G>C. VCF-style: chrX-38352773-G-C. GRCh37 (hg19) VCF-style: chrX-38212026-G-C.
Other names: short protein forms R26P.
Identifiers: ClinVar variation 97319 (VCV000097319.2), dbSNP rs68031618, ClinGen allele CA224780.

ClinVar aggregate classification (germline): Pathogenic (0 of 4 stars; one submission).

Submission:

GenMed Metabolism Lab
Classification: Pathogenic. Review status: no assertion criteria provided. Collection method: not provided. Allele origin: unknown.
Comment: p.Arg26Pro, Neonatal, Leader sequence, CpG dinucleotide, possible donor splice site error
ClinVar note: Converted during submission from pathogenic to Pathogenic.